The following is an entry in ClinVar:

NM_003978.5(PSTPIP1):c.1150G>A (p.Asp384Asn)

Gene: PSTPIP1 (proline-serine-threonine phosphatase interacting protein 1; plus strand). Cytogenetic location: 15q24.3.
Variant type: single nucleotide variant.
Coding change: c.1150G>A on transcript NM_003978.5 (MANE Select); coding-DNA position 1150, G replaced by A.
Protein change: p.Asp384Asn; replaces aspartic acid 384 with asparagine.
Molecular consequence: missense variant. On other transcripts: non-coding transcript variant (1).
Genome position (GRCh38, 1-based): chr15:77,037,075, G>A. VCF-style: chr15-77037075-G-A. GRCh37 (hg19) VCF-style: chr15-77329416-G-A.
Other names: c.1093G>A, p.Asp365Asn (NM_001321135.2); c.1123G>A, p.Asp375Asn (NM_001321136.2); c.1345G>A, p.Asp449Asn (NM_001321137.1); c.1141G>A, p.Asp381Asn (NM_001411086.1); short protein forms D365N, D375N, D381N, D384N, D449N.
Identifiers: ClinVar variation 1717456 (VCV001717456.5), dbSNP rs2542901882, ClinGen allele CA393521980.

ClinVar aggregate classification (germline): Uncertain significance (1 of 4 stars; one submission).

Conditions:
Pyogenic arthritis-pyoderma gangrenosum-acne syndrome (PAPA). Also called: FAMILIAL RECURRENT ARTHRITIS; PAPA SYNDROME. Identifiers: Orphanet 69126, MedGen C1858361, MONDO:0011462, OMIM 604416.

Submission:

Labcorp Genetics (formerly Invitae), Labcorp
Classification: Uncertain significance for Pyogenic arthritis-pyoderma gangrenosum-acne syndrome. Last evaluated: 2024-12-02. Review status: criteria provided, single submitter. Criteria: Invitae Variant Classification Sherloc (09022015). Collection method: clinical testing. Allele origin: germline.
Comment: This sequence change replaces aspartic acid, which is acidic and polar, with asparagine, which is neutral and polar, at codon 384 of the PSTPIP1 protein (p.Asp384Asn). This variant is not present in population databases (gnomAD no frequency). This variant has not been reported in the literature in individuals affected with PSTPIP1-related conditions. ClinVar contains an entry for this variant (Variation ID: 1717456). Invitae Evidence Modeling of protein sequence and biophysical properties (such as structural, functional, and spatial information, amino acid conservation, physicochemical variation, residue mobility, and thermodynamic stability) has been performed for this missense variant. However, the output from this modeling did not meet the statistical confidence thresholds required to predict the impact of this variant on PSTPIP1 protein function. In summary, the available evidence is currently insufficient to determine the role of this variant in disease. Therefore, it has been classified as a Variant of Uncertain Significance.